The following is an entry in ClinVar:

ClinVar aggregate classification (germline): Conflicting classifications of pathogenicity. Review status: criteria provided, conflicting classifications (1 of 4 stars). 2 submissions from 2 submitters: Uncertain significance (1); Likely benign (1). Last evaluated 2025-09-02.

Conditions:
Adams-Oliver syndrome 5 (AOS5). Identifiers: Orphanet 974, MedGen C4014970, MONDO:0014459, OMIM 616028.
Familial thoracic aortic aneurysm and aortic dissection (TAAD). Also called: Thoracic aortic aneurysms and dissections. Identifiers: Orphanet 91387, MedGen C4707243, MONDO:0019625.

Allele frequency attached by ClinVar (database versions not stated): gnomAD 0.00001; 1000 Genomes Project 30x 0.00016; 1000 Genomes Project 0.00020.
gnomAD v4.1: 13 of 1,535,012 alleles (0.00085%); highest among the groups gnomAD compares: South Asian, 0.0024%; no homozygotes.

Submissions (2):

Labcorp Genetics (formerly Invitae), Labcorp
Classification: Likely benign for Adams-Oliver syndrome 5. Last evaluated: 2025-09-02. Review status: criteria provided, single submitter. Criteria: Invitae Variant Classification Sherloc (09022015). Collection method: clinical testing. Allele origin: germline.

Ambry Genetics
Classification: Uncertain significance for Familial thoracic aortic aneurysm and aortic dissection. Last evaluated: 2019-10-08. Review status: criteria provided, single submitter. Criteria: Ambry Variant Classification Scheme 2023. Collection method: clinical testing. Allele origin: germline.
Comment: The p.R234C variant (also known as c.700C>T), located in coding exon 4 of the NOTCH1 gene, results from a C to T substitution at nucleotide position 700. The arginine at codon 234 is replaced by cysteine, an amino acid with highly dissimilar properties. This amino acid position is not well conserved in available vertebrate species. In addition, the in silico prediction for this alteration is inconclusive. Since supporting evidence is limited at this time, the clinical significance of this alteration remains unclear.

NM_017617.5(NOTCH1):c.700C>T (p.Arg234Cys)

Gene: NOTCH1 (notch receptor 1; minus strand). Cytogenetic location: 9q34.3.
Variant type: single nucleotide variant.
Coding change: c.700C>T on transcript NM_017617.5 (MANE Select); coding-DNA position 700, C replaced by T.
Protein change: p.Arg234Cys; replaces arginine 234 with cysteine.
Molecular consequence: missense variant.
Genome position (GRCh38, 1-based): chr9:136,522,892, G>A on the plus strand (C>T on the coding strand, the complement: NOTCH1 is on the minus strand). VCF-style: chr9-136522892-G-A. GRCh37 (hg19) VCF-style: chr9-139417344-G-A.
Other names: short protein forms R234C.
Identifiers: ClinVar variation 1023083 (VCV001023083.11), dbSNP rs567890045, ClinGen allele CA201589842.